The following is an entry in ClinVar:

ClinVar aggregate classification (germline): Benign/Likely benign. Review status: criteria provided, multiple submitters, no conflicts (2 of 4 stars). 3 submissions from 3 submitters: Benign (1); Likely benign (2). Last evaluated 2024-07-17.

Conditions:
Hereditary cancer-predisposing syndrome. Also called: Hereditary neoplastic syndrome; Neoplastic Syndromes, Hereditary; Hereditary Cancer Syndrome; Tumor predisposition. Identifiers: Orphanet 140162, MedGen C0027672, MeSH D009386, MONDO:0015356.
Ataxia-telangiectasia syndrome (AT). Also called: LOUIS-BAR SYNDROME; Cerebello-oculocutaneous telangiectasia; Immunodeficiency with ataxia telangiectasia; AT, COMPLEMENTATION GROUP C; Ataxia-telangiectasia, complementation group D; ATAXIA-TELANGIECTASIA, COMPLEMENTATION GROUP A. Identifiers: Orphanet 100, MedGen C0004135, MONDO:0008840, OMIM 208900.
Familial cancer of breast. Also called: BREAST CANCER, FAMILIAL; hereditary breast carcinoma; Hereditary breast cancer. Identifiers: Orphanet 227535, MedGen C0346153, MONDO:0016419, OMIM 114480. Disease mechanism: loss of function.

Submissions (3):

Labcorp Genetics (formerly Invitae), Labcorp
Classification: Likely benign for Ataxia-telangiectasia syndrome. Last evaluated: 2024-07-17. Review status: criteria provided, single submitter. Criteria: Invitae Variant Classification Sherloc (09022015). Collection method: clinical testing. Allele origin: germline.

Ambry Genetics
Classification: Likely benign for Hereditary cancer-predisposing syndrome. Last evaluated: 2024-06-29. Review status: criteria provided, single submitter. Criteria: Ambry Variant Classification Scheme 2023. Collection method: clinical testing. Allele origin: germline.

Myriad Genetics, Inc.
Classification: Benign for Familial cancer of breast. Last evaluated: 2024-04-23. Review status: criteria provided, single submitter. Criteria: Myriad Autosomal Dominant, Autosomal Recessive and X-Linked Classification Criteria (2023). Collection method: clinical testing. Allele origin: unknown.
Comment: This variant is considered benign. This variant is a silent/synonymous amino acid change and it is not expected to impact splicing.

NM_000051.4(ATM):c.822T>G (p.Ser274=)

Gene: ATM (ATM serine/threonine kinase; plus strand). Cytogenetic location: 11q22.3.
Variant type: single nucleotide variant.
Coding change: c.822T>G on transcript NM_000051.4 (MANE Select); coding-DNA position 822, T replaced by G.
Protein change: p.Ser274=; no amino-acid change (serine 274 retained).
Molecular consequence: synonymous variant.
Genome position (GRCh38, 1-based): chr11:108,244,947, T>G. VCF-style: chr11-108244947-T-G. GRCh37 (hg19) VCF-style: chr11-108115674-T-G.
Other names: c.822T>G, p.Ser274= (NM_001351834.2).
Identifiers: ClinVar variation 3253875 (VCV003253875.4), dbSNP rs2497152511.